The following is an entry in ClinVar:

NM_001972.4(ELANE):c.158A>C (p.His53Pro)

Gene: ELANE (elastase, neutrophil expressed; plus strand). Cytogenetic location: 19p13.3.
Variant type: single nucleotide variant.
Coding change: c.158A>C on transcript NM_001972.4 (MANE Select); coding-DNA position 158, A replaced by C.
Protein change: p.His53Pro; replaces histidine 53 with proline.
Molecular consequence: missense variant.
Genome position (GRCh38, 1-based): chr19:852,966, A>C. VCF-style: chr19-852966-A-C. GRCh37 (hg19) VCF-style: chr19-852966-A-C.
Other names: short protein forms H53P.
Identifiers: ClinVar variation 2571021 (VCV002571021.27), dbSNP rs2512164539, ClinGen allele CA402914652.

ClinVar aggregate classification (germline): Uncertain significance (1 of 4 stars; one submission).

Submission:

CeGaT Center for Human Genetics Tuebingen
Classification: Uncertain significance. Last evaluated: 2023-06-01. Review status: criteria provided, single submitter. Criteria: CeGaT Center For Human Genetics Tuebingen Variant Classification Criteria Version 2. Collection method: clinical testing. Allele origin: germline. Affected: yes. Observed: 2 variant alleles.
Comment: ELANE: PM1, PM2